The following is an entry in ClinVar:

ClinVar aggregate classification (germline): Uncertain significance. Review status: criteria provided, multiple submitters, no conflicts (2 of 4 stars). 3 submissions from 3 submitters: Uncertain significance (3). Last evaluated 2026-01-25.

Conditions:
Cardiovascular phenotype. Identifiers: MedGen CN230736.
Cardiomyopathy (CMYO). Also called: Cardiomyopathies. Identifiers: Orphanet 167848, MedGen C0878544, MONDO:0004994, HP:0001638. Inheritance: Various modes of inheritance.
Catecholaminergic polymorphic ventricular tachycardia 1. Also called: VENTRICULAR TACHYCARDIA, CATECHOLAMINERGIC POLYMORPHIC, 1, WITH OR WITHOUT ATRIAL DYSFUNCTION AND/OR DILATED CARDIOMYOPATHY; RYR2-Related Catecholaminergic Polymorphic Ventricular Tachycardia; VENTRICULAR TACHYCARDIA, STRESS-INDUCED POLYMORPHIC 1. Identifiers: Orphanet 3286, MedGen C1631597, MONDO:0011484, OMIM 604772.

Allele frequency attached by ClinVar (database versions not stated): gnomAD exomes below 0.00001; TOPMed below 0.00001.
gnomAD v4.1: 3 of 1,552,424 alleles (0.00019%); highest among the groups gnomAD compares: Non-Finnish European, 0.00026%; no homozygotes.

Submissions (3):

Ambry Genetics
Classification: Uncertain significance for Cardiovascular phenotype. Last evaluated: 2026-01-25. Review status: criteria provided, single submitter. Criteria: Ambry Variant Classification Scheme 2023. Collection method: clinical testing. Allele origin: germline.
Comment: The p.I3871V variant (also known as c.11611A>G), located in coding exon 86 of the RYR2 gene, results from an A to G substitution at nucleotide position 11611. The isoleucine at codon 3871 is replaced by valine, an amino acid with highly similar properties. This amino acid position is conserved. In addition, the in silico prediction for this alteration is inconclusive. Based on the available evidence, the clinical significance of this variant remains unclear.

Color Diagnostics, LLC DBA Color Health
Classification: Uncertain significance for Cardiomyopathy. Last evaluated: 2025-09-01. Review status: criteria provided, single submitter. Criteria: ACMG Guidelines, 2015. Collection method: clinical testing. Allele origin: germline.
Comment: This missense variant replaces isoleucine with valine at codon 3871 of the RYR2 protein. Computational prediction is inconclusive regarding the impact of this variant on protein structure and function. To our knowledge, functional studies have not been reported for this variant. This variant has not been reported in individuals affected with RYR2-related disorders in the literature. This variant has not been identified in the general population by the Genome Aggregation Database (gnomAD). The available evidence is insufficient to determine the role of this variant in disease conclusively. Therefore, this variant is classified as a Variant of Uncertain Significance.

Labcorp Genetics (formerly Invitae), Labcorp
Classification: Uncertain significance for Catecholaminergic polymorphic ventricular tachycardia 1. Last evaluated: 2023-05-05. Review status: criteria provided, single submitter. Criteria: Invitae Variant Classification Sherloc (09022015). Collection method: clinical testing. Allele origin: germline.
Comment: In summary, the available evidence is currently insufficient to determine the role of this variant in disease. Therefore, it has been classified as a Variant of Uncertain Significance. Advanced modeling of protein sequence and biophysical properties (such as structural, functional, and spatial information, amino acid conservation, physicochemical variation, residue mobility, and thermodynamic stability) has been performed at Invitae for this missense variant, however the output from this modeling did not meet the statistical confidence thresholds required to predict the impact of this variant on RYR2 protein function. This variant has not been reported in the literature in individuals affected with RYR2-related conditions. This variant is not present in population databases (gnomAD no frequency). This sequence change replaces isoleucine, which is neutral and non-polar, with valine, which is neutral and non-polar, at codon 3871 of the RYR2 protein (p.Ile3871Val).

NM_001035.3(RYR2):c.11611A>G (p.Ile3871Val)

Gene: RYR2 (ryanodine receptor 2; plus strand). Cytogenetic location: 1q43.
Variant type: single nucleotide variant.
Coding change: c.11611A>G on transcript NM_001035.3 (MANE Select); coding-DNA position 11611, A replaced by G.
Protein change: p.Ile3871Val; replaces isoleucine 3871 with valine.
Molecular consequence: missense variant.
Genome position (GRCh38, 1-based): chr1:237,772,065, A>G. VCF-style: chr1-237772065-A-G. GRCh37 (hg19) VCF-style: chr1-237935365-A-G.
Other names: c.11611A>G (NM_001035.2); short protein forms I3871V.
Identifiers: ClinVar variation 2905430 (VCV002905430.5), dbSNP rs1298819475, ClinGen allele CA345407168.